The following is an entry in ClinVar:

ClinVar aggregate classification (germline): Conflicting classifications of pathogenicity. Review status: criteria provided, conflicting classifications (1 of 4 stars). 5 submissions from 5 submitters: Uncertain significance (2); Likely benign (2). 1 of the submissions does not count toward it. Last evaluated 2026-04-01.

Conditions:
WASHC4-related disorder. Also called: WASHC4-related condition.
Inborn genetic diseases. Identifiers: MedGen C0950123, MeSH D030342.

Allele frequency attached by ClinVar (database versions not stated): 1000 Genomes Project 30x 0.00109; 1000 Genomes Project 0.00120; ESP Exome Variant Server 0.00144; gnomAD 0.00145 and 0.00146; TOPMed 0.00150; gnomAD exomes 0.00162 and 0.00176; ExAC 0.00178.
gnomAD v4.1: 2,768 of 1,612,812 alleles (0.17%); highest among the groups gnomAD compares: Middle Eastern, 0.36%; 10 homozygotes.

Submissions (5):

CeGaT Center for Human Genetics Tuebingen
Classification: Likely benign. Last evaluated: 2026-04-01. Review status: criteria provided, single submitter. Criteria: CeGaT Center For Human Genetics Tuebingen Variant Classification Criteria Version 2. Collection method: clinical testing. Allele origin: germline. Affected: yes. Observed: 4 variant alleles.
Comment: WASHC4: BS2

Labcorp Genetics (formerly Invitae), Labcorp
Classification: Likely benign. Last evaluated: 2019-12-31. Review status: criteria provided, single submitter. Criteria: Invitae Variant Classification Sherloc (09022015). Collection method: clinical testing. Allele origin: germline.

Center for Pediatric Genomic Medicine, Children's Mercy Hospital and Clinics
Classification: Uncertain significance. Last evaluated: 2016-04-21. Review status: criteria provided, single submitter. Criteria: ACMG Guidelines, 2015. Collection method: clinical testing. Allele origin: germline.
ClinVar note: Converted during submission from Uncertain Significance to Uncertain significance.

Ambry Genetics
Classification: Uncertain significance for Inborn genetic diseases. Last evaluated: 2012-11-29. Review status: criteria provided, single submitter. Criteria: Ambry Autosomal Dominant and X-Linked criteria (10/2015). Collection method: clinical testing. Allele origin: germline. Observed: 1 variant allele.
Comment: N/AN/ABased on data from the NHLBI Exome Sequencing Project (ESP), the A-allele has an overall frequency of approximately 0.12% (11/9498 total alleles studied). The A-allele was observed in 0.17% of European American (11/6556 alleles), was not observed among 2942 African American alleles studied, and has not been observed in the homozygous state among 4749 individuals studied. Based on data from the 1000 Genomes Project, the A-allele has an overall frequency of approximately 2/2188 (0.09%) and the highest frequency was in the British (0.56% 1/178 alleles). This amino acid position is completely conserved in available vertebrate species.This alteration is predicted to be possibly damaging with a score of 0.770 (sensitivity: 0.76; specificity: 0.86)This alteration is predicted to be tolerated with a score of 0.340 (conservation: 1.75)

PreventionGenetics, part of Exact Sciences
Classification: Likely benign for WASHC4-related condition. Last evaluated: 2023-05-17. Review status: no assertion criteria provided. Collection method: clinical testing. Allele origin: germline. Not counted in ClinVar's aggregate classification.
Comment: This variant is classified as likely benign based on ACMG/AMP sequence variant interpretation guidelines (Richards et al. 2015 PMID: 25741868, with internal and published modifications).

NM_015275.3(WASHC4):c.878G>A (p.Arg293Gln)

Gene: WASHC4 (WASH complex subunit 4; plus strand). Cytogenetic location: 12q23.3.
Variant type: single nucleotide variant.
Coding change: c.878G>A on transcript NM_015275.3 (MANE Select); coding-DNA position 878, G replaced by A.
Protein change: p.Arg293Gln; replaces arginine 293 with glutamine.
Molecular consequence: missense variant.
Genome position (GRCh38, 1-based): chr12:105,126,095, G>A. VCF-style: chr12-105126095-G-A. GRCh37 (hg19) VCF-style: chr12-105519873-G-A.
Other names: c.878G>A, p.Arg293Gln (NM_001293640.2); short protein forms R293Q.
Identifiers: ClinVar variation 225042 (VCV000225042.36), dbSNP rs35267264, ClinGen allele CA358071.